The following is an entry in ClinVar:

ClinVar aggregate classification (germline): Uncertain significance (1 of 4 stars; one submission).

Allele frequency attached by ClinVar (database versions not stated): gnomAD exomes below 0.00001.
gnomAD v4.1: 2 of 1,211,603 alleles (0.00017%); highest among the groups gnomAD compares: Non-Finnish European, 0.00022%; no homozygotes.

Submission:

Labcorp Genetics (formerly Invitae), Labcorp
Classification: Uncertain significance. Last evaluated: 2020-09-25. Review status: criteria provided, single submitter. Criteria: Invitae Variant Classification Sherloc (09022015). Collection method: clinical testing. Allele origin: germline.
Comment: In summary, the available evidence is currently insufficient to determine the role of this variant in disease. Therefore, it has been classified as a Variant of Uncertain Significance. Algorithms developed to predict the effect of missense changes on protein structure and function output the following: SIFT: "Tolerated"; PolyPhen-2: "Benign"; Align-GVGD: "Class C0". The serine amino acid residue is found in multiple mammalian species, suggesting that this missense change does not adversely affect protein function. These predictions have not been confirmed by published functional studies and their clinical significance is uncertain. This variant has not been reported in the literature in individuals with NEXMIF-related conditions. This variant is not present in population databases (ExAC no frequency). This sequence change replaces glycine with serine at codon 1299 of the NEXMIF protein (p.Gly1299Ser). The glycine residue is moderately conserved and there is a small physicochemical difference between glycine and serine.

NM_001008537.3(NEXMIF):c.3895G>A (p.Gly1299Ser)

Gene: NEXMIF (neurite extension and migration factor; minus strand). Cytogenetic location: Xq13.3.
Variant type: single nucleotide variant.
Coding change: c.3895G>A on transcript NM_001008537.3 (MANE Select); coding-DNA position 3895, G replaced by A.
Protein change: p.Gly1299Ser; replaces glycine 1299 with serine.
Molecular consequence: missense variant.
Genome position (GRCh38, 1-based): chrX:74,740,662, C>T on the plus strand (G>A on the coding strand, the complement: NEXMIF is on the minus strand). VCF-style: chrX-74740662-C-T. GRCh37 (hg19) VCF-style: chrX-73960497-C-T.
Other names: short protein forms G1299S.
Identifiers: ClinVar variation 1006672 (VCV001006672.8), dbSNP rs2080099383, ClinGen allele CA413664499.